The following is an entry in ClinVar:

NM_020987.5(ANK3):c.7999C>T (p.Pro2667Ser)

Gene: ANK3 (ankyrin 3; minus strand). Cytogenetic location: 10q21.2.
Variant type: single nucleotide variant.
Coding change: c.7999C>T on transcript NM_020987.5 (MANE Select); coding-DNA position 7999, C replaced by T.
Protein change: p.Pro2667Ser; replaces proline 2667 with serine.
Molecular consequence: missense variant. On other transcripts: intron variant (4).
Genome position (GRCh38, 1-based): chr10:60,072,882, G>A on the plus strand (C>T on the coding strand, the complement: ANK3 is on the minus strand). VCF-style: chr10-60072882-G-A. GRCh37 (hg19) VCF-style: chr10-61832640-G-A.
Other names: c.4388-4873C>T (NM_001204403.2); c.4409-4873C>T (NM_001204404.2); c.4406-4873C>T (NM_001320874.2); c.1808-4873C>T (NM_001149.4); short protein forms P2667S.
Identifiers: ClinVar variation 2905100 (VCV002905100.3), dbSNP rs772481850, ClinGen allele CA5511628.

ClinVar aggregate classification (germline): Uncertain significance (1 of 4 stars; one submission).

Allele frequency attached by ClinVar (database versions not stated): gnomAD exomes below 0.00001; gnomAD 0.00001; ExAC 0.00002.
gnomAD v4.1: 9 of 1,614,070 alleles (0.00056%); highest among the groups gnomAD compares: Admixed American, 0.005%; no homozygotes.

Submission:

Labcorp Genetics (formerly Invitae), Labcorp
Classification: Uncertain significance. Last evaluated: 2024-10-25. Review status: criteria provided, single submitter. Criteria: Invitae Variant Classification Sherloc (09022015). Collection method: clinical testing. Allele origin: germline.
Comment: This sequence change replaces proline, which is neutral and non-polar, with serine, which is neutral and polar, at codon 2667 of the ANK3 protein (p.Pro2667Ser). This variant is present in population databases (rs772481850, gnomAD 0.003%). This variant has not been reported in the literature in individuals affected with ANK3-related conditions. Invitae Evidence Modeling of protein sequence and biophysical properties (such as structural, functional, and spatial information, amino acid conservation, physicochemical variation, residue mobility, and thermodynamic stability) indicates that this missense variant is not expected to disrupt ANK3 protein function with a negative predictive value of 80%. In summary, the available evidence is currently insufficient to determine the role of this variant in disease. Therefore, it has been classified as a Variant of Uncertain Significance.